The following is an entry in ClinVar:

ClinVar aggregate classification (germline): Likely pathogenic (1 of 4 stars; one submission).

Submission:

Dasa
Classification: Likely pathogenic. Last evaluated: 2025-09-16. Review status: criteria provided, single submitter. Criteria: DASA Assertion Criteria. Collection method: clinical testing. Allele origin: germline.
Comment: NM_001378120.1(MBD5):c.837del (p.Met279Ilefs*25) is a frameshift variant in MBD5 predicted to alter the reading frame and introduce a premature termination codon and is predicted to result in an absent or altered protein product. Loss of function is an established disease mechanism for MBD5 (PMID: 23422940; PMID: 37463579; PMID: 33912662). Also, this variant is absent from population databases. Based on the currently available evidence, this variant is classified as likely pathogenic.

Literature cited by the submitters: PubMed 23422940; PubMed 37463579; PubMed 33912662.

NM_001378120.1(MBD5):c.837del (p.Met279fs)

Gene: MBD5 (methyl-CpG binding domain protein 5; plus strand). Cytogenetic location: 2q23.1.
Variant type: Deletion.
Coding change: c.837del on transcript NM_001378120.1 (MANE Select); coding-DNA position 837, one base deleted (G; older notation c.837delG).
Protein change: p.Met279fs; shifts the reading frame from methionine 279.
Molecular consequence: frameshift variant.
Genome position (GRCh38, 1-based): chr2:148,468,780, G deleted. VCF-style (leftmost placement, unchanged base first): chr2-148468779-TG-T. GRCh37 (hg19) VCF-style: chr2-149226348-TG-T.
Other names: c.837del, p.Met279fs (NM_001438854.1, NM_001438855.1, NM_001438856.1 and 7 more transcripts); short protein forms M279fs.
Identifiers: ClinVar variation 4886458 (VCV004886458.2).
Genomic context (GRCh38, chr2:148,468,779, plus strand): 5'-GAGCTCCCAATTCTAGTCCTATTCACCTGAATAGGACTCCTCTTTCTCCACCTTCAGTAA[TG>T]CTACATGGTTCTCCTGTACAGTCATCCTGTGCAATGGCTGGAAGGACTAATATACCTCTT-3'